The following is an entry in ClinVar:

ClinVar aggregate classification (germline): Likely benign (1 of 4 stars; one submission).

Conditions:
Juvenile polyposis syndrome (JPS). Identifiers: Orphanet 2929, MedGen C0345893, MONDO:0017380, OMIM 174900.

Submission:

Myriad Genetics, Inc.
Classification: Likely benign for Juvenile polyposis syndrome. Last evaluated: 2024-07-30. Review status: criteria provided, single submitter. Criteria: Myriad Autosomal Dominant, Autosomal Recessive and X-Linked Classification Criteria (2023). Collection method: clinical testing. Allele origin: unknown.
Comment: This variant is considered likely benign. This variant is intronic and is not expected to impact mRNA splicing.

NM_004329.3(BMPR1A):c.67+8A>T

Gene: BMPR1A (bone morphogenetic protein receptor type 1A; plus strand). Cytogenetic location: 10q23.2.
Variant type: single nucleotide variant.
Coding change: c.67+8A>T on transcript NM_004329.3 (MANE Select); 8 bases into the intron after coding-DNA position 67, A replaced by T.
Molecular consequence: intron variant.
Genome position (GRCh38, 1-based): chr10:86,876,093, A>T. VCF-style: chr10-86876093-A-T. GRCh37 (hg19) VCF-style: chr10-88635850-A-T.
Other names: c.67+8A>T (NM_001406570.1, NM_001406565.1, NM_001406574.1 and 23 more transcripts); c.-17-13969A>T (NM_001406584.1, NM_001406587.1, NM_001406585.1); c.-13+8A>T (NM_001406588.1); c.-12-13974A>T (NM_001406586.1).
Identifiers: ClinVar variation 3379198 (VCV003379198.1).